The following is an entry in ClinVar:

ClinVar aggregate classification (germline): Conflicting classifications of pathogenicity. Review status: criteria provided, conflicting classifications (1 of 4 stars). 2 submissions from 2 submitters: Uncertain significance (1); Likely benign (1). Last evaluated 2026-02-02.

Conditions:
Inborn genetic diseases. Identifiers: MedGen C0950123, MeSH D030342.

Allele frequency attached by ClinVar (database versions not stated): TOPMed below 0.00001; gnomAD 0.00001; gnomAD exomes 0.00001; ExAC 0.00002; ESP Exome Variant Server 0.00008.
gnomAD v4.1: 6 of 1,613,946 alleles (0.00037%); highest among the groups gnomAD compares: East Asian, 0.0022%; no homozygotes.

Submissions (2):

Labcorp Genetics (formerly Invitae), Labcorp
Classification: Uncertain significance. Last evaluated: 2026-02-02. Review status: criteria provided, single submitter. Criteria: Invitae Variant Classification Sherloc (09022015). Collection method: clinical testing. Allele origin: germline.
Comment: This sequence change replaces proline, which is neutral and non-polar, with serine, which is neutral and polar, at codon 455 of the PDZD7 protein (p.Pro455Ser). This variant is present in population databases (rs147352555, gnomAD 0.002%). This variant has not been reported in the literature in individuals affected with PDZD7-related conditions. ClinVar contains an entry for this variant (Variation ID: 1404441). Invitae Evidence Modeling of protein sequence and biophysical properties (such as structural, functional, and spatial information, amino acid conservation, physicochemical variation, residue mobility, and thermodynamic stability) indicates that this missense variant is not expected to disrupt PDZD7 protein function with a negative predictive value of 80%. In summary, the available evidence is currently insufficient to determine the role of this variant in disease. Therefore, it has been classified as a Variant of Uncertain Significance.

Ambry Genetics
Classification: Likely benign for Inborn genetic diseases. Last evaluated: 2025-04-02. Review status: criteria provided, single submitter. Criteria: Ambry Variant Classification Scheme 2023. Collection method: clinical testing. Allele origin: germline.

NM_001195263.2(PDZD7):c.1363C>T (p.Pro455Ser)

Gene: PDZD7 (PDZ domain containing 7; minus strand). Cytogenetic location: 10q24.31.
Variant type: single nucleotide variant.
Coding change: c.1363C>T on transcript NM_001195263.2 (MANE Select); coding-DNA position 1363, C replaced by T.
Protein change: p.Pro455Ser; replaces proline 455 with serine.
Molecular consequence: missense variant.
Genome position (GRCh38, 1-based): chr10:101,018,258, G>A on the plus strand (C>T on the coding strand, the complement: PDZD7 is on the minus strand). VCF-style: chr10-101018258-G-A. GRCh37 (hg19) VCF-style: chr10-102778015-G-A.
Other names: c.1391C>T, p.Pro464Leu (NM_001351044.2); c.1363C>T, p.Pro455Ser (NM_024895.5); c.1363C>T (NM_001195263.1); short protein forms P455S, P464L.
Identifiers: ClinVar variation 1404441 (VCV001404441.8), dbSNP rs147352555, ClinGen allele CA5654102.